The following is an entry in ClinVar:

ClinVar aggregate classification (germline): Uncertain significance (1 of 4 stars; one submission).

gnomAD v4.1: 15 of 1,614,114 alleles (0.00093%); highest among the groups gnomAD compares: East Asian, 0.0045%; no homozygotes.

Submission:

Labcorp Genetics (formerly Invitae), Labcorp
Classification: Uncertain significance. Last evaluated: 2024-10-05. Review status: criteria provided, single submitter. Criteria: Invitae Variant Classification Sherloc (09022015). Collection method: clinical testing. Allele origin: germline.
Comment: This sequence change replaces arginine, which is basic and polar, with glutamine, which is neutral and polar, at codon 359 of the TUBB1 protein (p.Arg359Gln). This variant is present in population databases (rs556399037, gnomAD 0.02%). This variant has not been reported in the literature in individuals affected with TUBB1-related conditions. Invitae Evidence Modeling of protein sequence and biophysical properties (such as structural, functional, and spatial information, amino acid conservation, physicochemical variation, residue mobility, and thermodynamic stability) indicates that this missense variant is not expected to disrupt TUBB1 protein function with a negative predictive value of 80%. In summary, the available evidence is currently insufficient to determine the role of this variant in disease. Therefore, it has been classified as a Variant of Uncertain Significance.

NM_030773.4(TUBB1):c.1076G>A (p.Arg359Gln)

Gene: TUBB1 (tubulin beta 1 class VI; plus strand). Cytogenetic location: 20q13.32.
Variant type: single nucleotide variant.
Coding change: c.1076G>A on transcript NM_030773.4 (MANE Select); coding-DNA position 1076, G replaced by A.
Protein change: p.Arg359Gln; replaces arginine 359 with glutamine.
Molecular consequence: missense variant.
Genome position (GRCh38, 1-based): chr20:59,024,503, G>A. VCF-style: chr20-59024503-G-A. GRCh37 (hg19) VCF-style: chr20-57599558-G-A.
Other names: short protein forms R359Q.
Identifiers: ClinVar variation 3700248 (VCV003700248.2).
Genomic context (GRCh38, chr20:59,024,503, plus strand): 5'-GCTGCTTTGTGGAGTGGATTCCCAACAACGTCAAGGTGGCTGTCTGCGACATCCCGCCCC[G>A]GGGGCTGAGCATGGCCGCCACCTTCATTGGCAACAACACGGCCATCCAAGAGATCTTTAA-3'
Protein context (NP_110400.1, residues 349-369): VKVAVCDIPP[Arg359Gln]GLSMAATFIG